The following is an entry in ClinVar:

ClinVar aggregate classification (germline): Uncertain significance. Review status: criteria provided, single submitter (1 of 4 stars). 2 submissions from 2 submitters: Uncertain significance (1). 1 of the submissions does not count toward it. Last evaluated 2022-08-20.

Conditions:
Glycogen storage disease type III (GSD3). Also called: Cori disease; FORBES DISEASE. Identifiers: Orphanet 366, MedGen C0017922, MONDO:0009291, OMIM 232400.

Allele frequency attached by ClinVar (database versions not stated): TOPMed 0.00002; ExAC 0.00003; gnomAD 0.00003; gnomAD exomes 0.00003.
gnomAD v4.1: 30 of 1,613,912 alleles (0.0019%); highest among the groups gnomAD compares: Non-Finnish European, 0.00017%; no homozygotes.

Submissions (2):

Labcorp Genetics (formerly Invitae), Labcorp
Classification: Uncertain significance for Glycogen storage disease type III. Last evaluated: 2022-08-20. Review status: criteria provided, single submitter. Criteria: Invitae Variant Classification Sherloc (09022015). Collection method: clinical testing. Allele origin: germline.
Comment: This sequence change replaces proline, which is neutral and non-polar, with alanine, which is neutral and non-polar, at codon 246 of the AGL protein (p.Pro246Ala). This variant is present in population databases (rs370391954, gnomAD 0.08%). This variant has not been reported in the literature in individuals affected with AGL-related conditions. ClinVar contains an entry for this variant (Variation ID: 859625). Algorithms developed to predict the effect of missense changes on protein structure and function are either unavailable or do not agree on the potential impact of this missense change (SIFT: "Tolerated"; PolyPhen-2: "Probably Damaging"; Align-GVGD: "Class C0"). Algorithms developed to predict the effect of sequence changes on RNA splicing suggest that this variant may create or strengthen a splice site. In summary, the available evidence is currently insufficient to determine the role of this variant in disease. Therefore, it has been classified as a Variant of Uncertain Significance.

Natera, Inc.
Classification: Uncertain significance for Glycogen storage disease type III. Last evaluated: 2020-02-10. Review status: no assertion criteria provided. Collection method: clinical testing. Allele origin: germline. Not counted in ClinVar's aggregate classification.

NM_000642.3(AGL):c.736C>G (p.Pro246Ala)

Gene: AGL (amylo-alpha-1,6-glucosidase and 4-alpha-glucanotransferase; plus strand). Cytogenetic location: 1p21.2.
Variant type: single nucleotide variant.
Coding change: c.736C>G on transcript NM_000642.3 (MANE Select); coding-DNA position 736, C replaced by G.
Protein change: p.Pro246Ala; replaces proline 246 with alanine.
Molecular consequence: missense variant.
Genome position (GRCh38, 1-based): chr1:99,870,471, C>G. VCF-style: chr1-99870471-C-G. GRCh37 (hg19) VCF-style: chr1-100336027-C-G.
Other names: c.736C>G, p.Pro246Ala (NM_000028.3, NM_000643.3, NM_000644.3 and 3 more transcripts); c.688C>G, p.Pro230Ala (NM_000646.3); c.532C>G, p.Pro178Ala (NM_001425328.1, NM_001425329.1); c.358C>G, p.Pro120Ala (NM_001425332.1); short protein forms P230A, P246A, P120A, P178A.
Identifiers: ClinVar variation 859625 (VCV000859625.7), dbSNP rs370391954, ClinGen allele CA966254.
Genomic context (GRCh38, chr1:99,870,471, plus strand): 5'-AAATGGATCCAGGAACATCCAGAATGTGCCTATAATCTTGTGAATTCTCCACACTTAAAA[C>G]CTGCCTGGGTCTTAGACAGAGCACTTTGGCGTTTCTCCTGTGATGTTGCAGAAGGGAAAT-3'
Protein context (NP_000633.2, residues 236-256): YNLVNSPHLK[Pro246Ala]AWVLDRALWR